The following is an entry in ClinVar:

ClinVar aggregate classification (germline): Likely benign. Review status: criteria provided, multiple submitters, no conflicts (2 of 4 stars). 2 submissions from 2 submitters: Likely benign (2). Last evaluated 2023-12-22.

Conditions:
Spondyloepiphyseal dysplasia with congenital joint dislocations (SEDCJD). Also called: Chondrodysplasia with Congenital Joint Dislocations, CHST3-Related. Identifiers: Orphanet 263463, MedGen C1837657, MONDO:0007738, OMIM 143095.

Allele frequency attached by ClinVar (database versions not stated): gnomAD exomes 0.00001.
gnomAD v4.1: 8 of 1,565,708 alleles (0.00051%); highest among the groups gnomAD compares: Non-Finnish European, 0.00069%; no homozygotes.

Submissions (2):

Labcorp Genetics (formerly Invitae), Labcorp
Classification: Likely benign for Spondyloepiphyseal dysplasia with congenital joint dislocations. Last evaluated: 2023-12-22. Review status: criteria provided, single submitter. Criteria: Invitae Variant Classification Sherloc (09022015). Collection method: clinical testing. Allele origin: germline.

CeGaT Center for Human Genetics Tuebingen
Classification: Likely benign. Last evaluated: 2023-06-01. Review status: criteria provided, single submitter. Criteria: CeGaT Center For Human Genetics Tuebingen Variant Classification Criteria Version 2. Collection method: clinical testing. Allele origin: germline. Affected: yes. Observed: 1 variant allele.
Comment: CHST3: BP4, BP7

NM_004273.5(CHST3):c.1332C>T (p.Cys444=)

Gene: CHST3 (carbohydrate sulfotransferase 3; plus strand). Cytogenetic location: 10q22.1.
Variant type: single nucleotide variant.
Coding change: c.1332C>T on transcript NM_004273.5 (MANE Select); coding-DNA position 1332, C replaced by T.
Protein change: p.Cys444=; no amino-acid change (cysteine 444 retained).
Molecular consequence: synonymous variant.
Genome position (GRCh38, 1-based): chr10:72,008,363, C>T. VCF-style: chr10-72008363-C-T. GRCh37 (hg19) VCF-style: chr10-73768121-C-T.
Identifiers: ClinVar variation 2174458 (VCV002174458.31), dbSNP rs1216480002, ClinGen allele CA470284576.